The following is an entry in ClinVar:

ClinVar aggregate classification (germline): Likely benign. Review status: criteria provided, multiple submitters, no conflicts (2 of 4 stars). 2 submissions from 2 submitters: Likely benign (2). Last evaluated 2026-05-04.

Allele frequency attached by ClinVar (database versions not stated): TOPMed 0.00006; ExAC 0.00020; gnomAD 0.00006; gnomAD exomes 0.00020.
gnomAD v4.1: 48 of 1,614,064 alleles (0.003%); highest among the groups gnomAD compares: East Asian, 0.1%; no homozygotes.

Submissions (2):

Women's Health and Genetics/Laboratory Corporation of America, LabCorp
Classification: Likely benign. Last evaluated: 2026-05-04. Review status: criteria provided, single submitter. Criteria: LabCorp Variant Classification Summary - May 2015. Collection method: clinical testing. Allele origin: germline.
Comment: Variant summary: PSMB4 c.652A>G (p.Met218Val) results in a conservative amino acid change in the encoded protein sequence. Algorithms developed to predict the effect of missense changes on protein structure and function are either unavailable or do not agree on the potential impact of this missense change. The variant allele was found at a frequency of 0.0002 in 251458 control chromosomes, predominantly at a frequency of 0.0027 within the East Asian subpopulation in the gnomAD database. The observed variant frequency within East Asian control individuals in the gnomAD database exceeds the estimated maximal expected allele frequency for disease-causing variants in PSMB4. To our knowledge, no occurrence of c.652A>G in individuals affected with PSMB4-related conditions and no experimental evidence demonstrating its impact on protein function have been reported. ClinVar contains an entry for this variant (Variation ID: 1598329). Based on the evidence outlined above, the variant was classified as likely benign.

Labcorp Genetics (formerly Invitae), Labcorp
Classification: Likely benign. Last evaluated: 2025-02-03. Review status: criteria provided, single submitter. Criteria: Invitae Variant Classification Sherloc (09022015). Collection method: clinical testing. Allele origin: germline.

NM_002796.3(PSMB4):c.652A>G (p.Met218Val)

Gene: PSMB4 (proteasome 20S subunit beta 4; plus strand). Cytogenetic location: 1q21.3.
Variant type: single nucleotide variant.
Coding change: c.652A>G on transcript NM_002796.3 (MANE Select); coding-DNA position 652, A replaced by G.
Protein change: p.Met218Val; replaces methionine 218 with valine.
Molecular consequence: missense variant.
Genome position (GRCh38, 1-based): chr1:151,401,314, A>G. VCF-style: chr1-151401314-A-G. GRCh37 (hg19) VCF-style: chr1-151373790-A-G.
Other names: short protein forms M218V.
Identifiers: ClinVar variation 1598329 (VCV001598329.10), dbSNP rs115063024, ClinGen allele CA1090739.